The following is an entry in ClinVar:

ClinVar aggregate classification (germline): Uncertain significance (1 of 4 stars; one submission).

Conditions:
Cardiovascular phenotype. Identifiers: MedGen CN230736.

Submission:

Ambry Genetics
Classification: Uncertain significance for Cardiovascular phenotype. Last evaluated: 2023-06-05. Review status: criteria provided, single submitter. Criteria: Ambry Variant Classification Scheme 2023. Collection method: clinical testing. Allele origin: germline.
Comment: The p.N46Y variant (also known as c.136A>T), located in coding exon 2 of the TAZ gene, results from an A to T substitution at nucleotide position 136. The asparagine at codon 46 is replaced by tyrosine, an amino acid with dissimilar properties. This amino acid position is highly conserved in available vertebrate species. In addition, this alteration is predicted to be deleterious by in silico analysis. Since supporting evidence is limited at this time, the clinical significance of this alteration remains unclear.

NM_000116.5(TAFAZZIN):c.136A>T (p.Asn46Tyr)

Gene: TAFAZZIN (tafazzin, phospholipid-lysophospholipid transacylase; plus strand). Cytogenetic location: Xq28.
Variant type: single nucleotide variant.
Coding change: c.136A>T on transcript NM_000116.5 (MANE Select); coding-DNA position 136, A replaced by T.
Protein change: p.Asn46Tyr; replaces asparagine 46 with tyrosine.
Molecular consequence: missense variant. On other transcripts: non-coding transcript variant (1).
Genome position (GRCh38, 1-based): chrX:154,412,112, A>T. VCF-style: chrX-154412112-A-T. GRCh37 (hg19) VCF-style: chrX-153640449-A-T.
Other names: c.190A>T, p.Asn64Tyr (NM_001303465.2, NM_001410698.1); c.136A>T, p.Asn46Tyr (NM_181311.4, NM_181312.4, NM_181313.4); short protein forms N64Y, N46Y.
Identifiers: ClinVar variation 2564197 (VCV002564197.2), dbSNP rs2522923870, ClinGen allele CA415179495.